The following is an entry in ClinVar:

NM_003072.5(SMARCA4):c.2893A>T (p.Ile965Phe)

Gene: SMARCA4 (SWI/SNF related BAF chromatin remodeling complex subunit ATPase 4; plus strand). Cytogenetic location: 19p13.2.
Variant type: single nucleotide variant.
Coding change: c.2893A>T on transcript NM_003072.5 (MANE Select); coding-DNA position 2893, A replaced by T.
Protein change: p.Ile965Phe; replaces isoleucine 965 with phenylalanine.
Molecular consequence: missense variant. On other transcripts: non-coding transcript variant (1).
Genome position (GRCh38, 1-based): chr19:11,023,551, A>T. VCF-style: chr19-11023551-A-T. GRCh37 (hg19) VCF-style: chr19-11134227-A-T.
Other names: c.2893A>T, p.Ile965Phe (NM_001128845.2, NM_001128846.2, NM_001128847.4 and 6 more transcripts); short protein forms I965F.
Identifiers: ClinVar variation 4072249 (VCV004072249.1).

ClinVar aggregate classification (germline): Uncertain significance (1 of 4 stars; one submission).

Conditions:
Intellectual disability, autosomal dominant 16 (CSS4). Also called: COFFIN-SIRIS SYNDROME 4. Identifiers: Orphanet 1465, MedGen C3553249, MONDO:0013821, OMIM 614609.

Submission:

3billion
Classification: Uncertain significance for Intellectual disability, autosomal dominant 16. Last evaluated: 2024-07-22. Review status: criteria provided, single submitter. Criteria: ACMG Guidelines, 2015. Collection method: clinical testing. Allele origin: germline. Affected: yes.
Comment: The variant is not observed in the gnomAD v2.1.1 dataset. Predicted Consequence/Location: Missense variant In silico tool predictions suggest damaging effect of the variant on gene or gene product [REVEL: 0.94 (>=0.6, sensitivity 0.68 and specificity 0.92); 3Cnet: 0.86 (>=0.6, sensitivity 0.72 and precision 0.9)]. Therefore, this variant is classified as VUS according to the recommendation of ACMG/AMP guideline.